The following is an entry in ClinVar:

NM_000404.4(GLB1):c.1276T>G (p.Cys426Gly)

Gene: GLB1 (galactosidase beta 1; minus strand). Cytogenetic location: 3p22.3.
Variant type: single nucleotide variant.
Coding change: c.1276T>G on transcript NM_000404.4 (MANE Select); coding-DNA position 1276, T replaced by G.
Protein change: p.Cys426Gly; replaces cysteine 426 with glycine.
Molecular consequence: missense variant.
Genome position (GRCh38, 1-based): chr3:33,018,519, A>C on the plus strand (T>G on the coding strand, the complement: GLB1 is on the minus strand). VCF-style: chr3-33018519-A-C. GRCh37 (hg19) VCF-style: chr3-33060011-A-C.
Other names: c.1186T>G, p.Cys396Gly (NM_001079811.3); c.883T>G, p.Cys295Gly (NM_001135602.3); c.1420T>G, p.Cys474Gly (NM_001317040.2); c.1276T>G, p.Cys426Gly (NM_001393580.1); short protein forms C295G, C396G, C426G, C474G.
Identifiers: ClinVar variation 1372550 (VCV001372550.9), dbSNP rs765230559, ClinGen allele CA2299437.

ClinVar aggregate classification (germline): Pathogenic/Likely pathogenic. Review status: criteria provided, multiple submitters, no conflicts (2 of 4 stars). 2 submissions from 2 submitters: Pathogenic (1); Likely pathogenic (1). Last evaluated 2024-02-24.

Conditions:
GLB1-related disorder. Also called: GLB1-related disorders. Identifiers: MedGen CN377807.
GM1 gangliosidosis. Identifiers: Orphanet 354, MedGen C0085131, MONDO:0018149.
Mucopolysaccharidosis, MPS-IV-B (MPS4B). Also called: Mucopolysaccharidosis Type IVB; Mucopolysaccharidosis type IVB (Morquio); MPS IVB; Mucopolysaccharidosis type IV B; Mucopolysaccharidosis Type IVB (Morquio B Disease); Mucopolysaccharidosis type 4B. Identifiers: Orphanet 309310, Orphanet 582, MedGen C0086652, MONDO:0009660, OMIM 253010.

Allele frequency attached by ClinVar (database versions not stated): gnomAD exomes below 0.00001 and 0.00003; ExAC 0.00001; gnomAD 0.00001; TOPMed 0.00001.
gnomAD v4.1: 40 of 1,613,930 alleles (0.0025%); highest among the groups gnomAD compares: Non-Finnish European, 0.0033%; no homozygotes.

Submissions (2):

Labcorp Genetics (formerly Invitae), Labcorp
Classification: Pathogenic for Mucopolysaccharidosis, MPS-IV-B; GM1 gangliosidosis. Last evaluated: 2024-02-24. Review status: criteria provided, single submitter. Criteria: Invitae Variant Classification Sherloc (09022015). Collection method: clinical testing. Allele origin: germline.
Comment: This sequence change replaces cysteine, which is neutral and slightly polar, with glycine, which is neutral and non-polar, at codon 426 of the GLB1 protein (p.Cys426Gly). This variant is present in population databases (rs765230559, gnomAD 0.0009%). This missense change has been observed in individual(s) with mucopolysaccharidosis (PMID: 26646981; Invitae). In at least one individual the data is consistent with being in trans (on the opposite chromosome) from a pathogenic variant. It has also been observed to segregate with disease in related individuals. ClinVar contains an entry for this variant (Variation ID: 1372550). Advanced modeling of protein sequence and biophysical properties (such as structural, functional, and spatial information, amino acid conservation, physicochemical variation, residue mobility, and thermodynamic stability) performed at Invitae indicates that this missense variant is expected to disrupt GLB1 protein function with a positive predictive value of 95%. For these reasons, this variant has been classified as Pathogenic.

Blueprint Genetics
Classification: Likely pathogenic for GLB1-related disorders. Last evaluated: 2021-06-01. Review status: criteria provided, single submitter. Criteria: ACMG Guidelines, 2015. Collection method: clinical testing. Allele origin: germline. Affected: yes. Observed: 1 variant allele.

Literature cited by the submitters: PubMed 26646981 (cited by Labcorp Genetics (formerly Invitae), Labcorp).